The following is an entry in ClinVar:

ClinVar aggregate classification (germline): Uncertain significance (1 of 4 stars; one submission).

gnomAD v4.1: 1 of 1,613,898 alleles (0.000062%); highest among the groups gnomAD compares: Non-Finnish European, 0.000085%; no homozygotes.

Submission:

GeneDx
Classification: Uncertain significance. Last evaluated: 2024-01-24. Review status: criteria provided, single submitter. Criteria: GeneDx Variant Classification Process June 2021. Collection method: clinical testing. Allele origin: germline. Affected: yes.
Comment: Not observed at significant frequency in large population cohorts (gnomAD); In silico analysis supports that this missense variant has a deleterious effect on protein structure/function; This variant is associated with the following publications: (PMID: 25383892)

NM_017780.4(CHD7):c.1628C>T (p.Ser543Leu)

Gene: CHD7 (chromodomain helicase DNA binding protein 7; plus strand). Cytogenetic location: 8q12.2.
Variant type: single nucleotide variant.
Coding change: c.1628C>T on transcript NM_017780.4 (MANE Select); coding-DNA position 1628, C replaced by T.
Protein change: p.Ser543Leu; replaces serine 543 with leucine.
Molecular consequence: missense variant.
Genome position (GRCh38, 1-based): chr8:60,743,060, C>T. VCF-style: chr8-60743060-C-T. GRCh37 (hg19) VCF-style: chr8-61655619-C-T.
Other names: c.1628C>T, p.Ser543Leu (NM_001316690.1); short protein forms S543L.
Identifiers: ClinVar variation 3338832 (VCV003338832.1).